The following is an entry in ClinVar:

ClinVar aggregate classification (germline): Likely benign (1 of 4 stars; one submission).

Allele frequency attached by ClinVar (database versions not stated): ExAC 0.00057.

Submission:

CeGaT Center for Human Genetics Tuebingen
Classification: Likely benign. Last evaluated: 2023-08-01. Review status: criteria provided, single submitter. Criteria: CeGaT Center For Human Genetics Tuebingen Variant Classification Criteria Version 2. Collection method: clinical testing. Allele origin: germline. Affected: yes. Observed: 1 variant allele.
Comment: GXYLT1: BP4, BP7

NM_173601.2(GXYLT1):c.129C>T (p.Ala43=)

Gene: GXYLT1 (glucoside xylosyltransferase 1; minus strand). Cytogenetic location: 12q12.
Variant type: single nucleotide variant.
Coding change: c.129C>T on transcript NM_173601.2 (MANE Select); coding-DNA position 129, C replaced by T.
Protein change: p.Ala43=; no amino-acid change (alanine 43 retained).
Molecular consequence: synonymous variant.
Genome position (GRCh38, 1-based): chr12:42,144,518, G>A on the plus strand (C>T on the coding strand, the complement: GXYLT1 is on the minus strand). VCF-style: chr12-42144518-G-A. GRCh37 (hg19) VCF-style: chr12-42538320-G-A.
Other names: c.129C>T, p.Ala43= (NM_001099650.2).
Identifiers: ClinVar variation 2642894 (VCV002642894.24), dbSNP rs112525075, ClinGen allele CA6518483.